The following is an entry in ClinVar:

NM_001372044.2(SHANK3):c.4085C>T (p.Pro1362Leu)

Gene: SHANK3 (SH3 and multiple ankyrin repeat domains 3; plus strand). Cytogenetic location: 22q13.33.
Variant type: single nucleotide variant.
Coding change: c.4085C>T on transcript NM_001372044.2 (MANE Select); coding-DNA position 4085, C replaced by T.
Protein change: p.Pro1362Leu; replaces proline 1362 with leucine.
Molecular consequence: missense variant.
Genome position (GRCh38, 1-based): chr22:50,721,693, C>T. VCF-style: chr22-50721693-C-T. GRCh37 (hg19) VCF-style: chr22-51160121-C-T.
Other names: c.3860C>T (NM_033517.1); short protein forms P1362L.
Identifiers: ClinVar variation 3371800 (VCV003371800.1).

ClinVar aggregate classification (germline): Uncertain significance (1 of 4 stars; one submission).

Submission:

GeneDx
Classification: Uncertain significance. Last evaluated: 2024-03-28. Review status: criteria provided, single submitter. Criteria: GeneDx Variant Classification Process June 2021. Collection method: clinical testing. Allele origin: germline. Affected: yes.
Comment: Has not been previously published as pathogenic or benign to our knowledge; In silico analysis does not support a benign or deleterious effect of this variant on protein structure/function